The following is an entry in ClinVar:

NM_001048174.2(MUTYH):c.492+4A>G

Gene: MUTYH (mutY DNA glycosylase; minus strand). Cytogenetic location: 1p34.1.
Variant type: single nucleotide variant.
Coding change: c.492+4A>G on transcript NM_001048174.2 (MANE Select); 4 bases into the intron after coding-DNA position 492, A replaced by G.
Molecular consequence: intron variant.
Genome position (GRCh38, 1-based): chr1:45,332,759, T>C on the plus strand (A>G on the coding strand, the complement: MUTYH is on the minus strand). VCF-style: chr1-45332759-T-C. GRCh37 (hg19) VCF-style: chr1-45798431-T-C.
Other names: c.147+4A>G (NM_001350651.2, NM_001350650.2); c.216+4A>G (NM_001293192.2, NM_001293196.2); c.492+4A>G (NM_001048171.2, NM_001048173.2, NM_001293195.2); c.537+4A>G (NM_001293190.2); c.567+4A>G (NM_012222.3); c.576+4A>G (NM_001128425.2); c.495+4A>G (NM_001048172.2); c.525+4A>G (NM_001293191.2).
Identifiers: ClinVar variation 1749481 (VCV001749481.3), dbSNP rs1064796369, ClinGen allele CA522810457.

ClinVar aggregate classification (germline): Uncertain significance (1 of 4 stars; one submission).

Conditions:
Hereditary cancer-predisposing syndrome. Also called: Hereditary Cancer Syndrome; Hereditary neoplastic syndrome; Neoplastic Syndromes, Hereditary; Tumor predisposition. Identifiers: Orphanet 140162, MedGen C0027672, MeSH D009386, MONDO:0015356.

Allele frequency attached by ClinVar (database versions not stated): gnomAD exomes below 0.00001.
gnomAD v4.1: 2 of 1,614,124 alleles (0.00012%); highest among the groups gnomAD compares: South Asian, 0.0022%; no homozygotes.

Submission:

Ambry Genetics
Classification: Uncertain significance for Hereditary cancer-predisposing syndrome. Last evaluated: 2024-08-28. Review status: criteria provided, single submitter. Criteria: Ambry Variant Classification Scheme 2023. Collection method: clinical testing. Allele origin: germline.
Comment: The c.576+4A>G intronic variant results from an A to G substitution 4 nucleotides after coding exon 7 in the MUTYH gene. This nucleotide position is not well conserved in available vertebrate species. In silico splice site analysis predicts that this alteration will not have any significant effect on splicing. Based on the available evidence, the clinical significance of this variant remains unclear.